The following is an entry in ClinVar:

NM_001009944.3(PKD1):c.8909del (p.Gly2970fs)

Gene: PKD1 (polycystin 1, transient receptor potential channel interacting; minus strand). Cytogenetic location: 16p13.3.
Variant type: Deletion.
Coding change: c.8909del on transcript NM_001009944.3 (MANE Select); coding-DNA position 8909, one base deleted (G; older notation c.8909delG).
Protein change: p.Gly2970fs; shifts the reading frame from glycine 2970.
Molecular consequence: frameshift variant.
Genome position (GRCh38, 1-based): chr16:2,102,853, C deleted on the plus strand (G on the coding strand, the reverse complement: PKD1 is on the minus strand); the first of 3 consecutive C bases (chr16:2,102,853-2,102,855); deleting any one gives the same sequence. VCF-style (leftmost placement, unchanged base first): chr16-2102852-AC-A. GRCh37 (hg19) VCF-style: chr16-2152853-AC-A.
Other names: c.8909del, p.Gly2970fs (NM_000296.4); short protein forms G2970fs.
Identifiers: ClinVar variation 3062015 (VCV003062015.3), dbSNP rs2544737008, ClinGen allele CA2740096848.
Genomic context (GRCh38, chr16:2,102,852, plus strand): 5'-CAGGCTGGCCCGCAGAGCTCACCCCGGGGAAATGAAGAAGGTGTAGGGCCGGTGGTCAGC[AC>A]CCTGGAGTGACTCTGGGCGGATCCTCCTGCTAGCCGAGCAGTTGTGCTCATTGGGCCGGG-3'

ClinVar aggregate classification (germline): Pathogenic/Likely pathogenic. Review status: criteria provided, multiple submitters, no conflicts (2 of 4 stars). 3 submissions from 3 submitters: Pathogenic (1); Likely pathogenic (2). Last evaluated 2026-02-13.

Conditions:
Polycystic kidney disease, adult type (PKD1). Also called: Polycystic Kidney Disease 1, Autosomal Dominant; Polycystic kidney disease 1; Polycystic kidney disease 1, severe; Polycystic Kidney, Autosomal Dominant; POLYCYSTIC KIDNEY DISEASE 1 WITH OR WITHOUT POLYCYSTIC LIVER DISEASE; POLYCYSTIC KIDNEY DISEASE, ADULT, TYPE I. Identifiers: MedGen C3149841, MONDO:0008263, OMIM 173900.

Submissions (3):

Victorian Clinical Genetics Services, Murdoch Childrens Research Institute
Classification: Pathogenic for Polycystic kidney disease, adult type. Last evaluated: 2026-02-13. Review status: criteria provided, single submitter. Criteria: ACMG Guidelines, 2015. Collection method: clinical testing. Allele origin: germline. Affected: yes.
Comment: This variant is classified as Pathogenic. Evidence in support of pathogenic classification: Variant is predicted to cause nonsense-mediated decay (NMD) and loss of protein (premature termination codon is located at least 54 nucleotides upstream of the final exon-exon junction); Variant is absent from gnomAD (v2, v3 and v4); This variant has limited previous evidence of pathogenicity. This variant has been classified as likely pathogenic by clinical laboratories in ClinVar; Other NMD-predicted variants comparable to the one identified in this case have very strong previous evidence for pathogenicity (DECIPHER). Additional information: This variant is heterozygous; This gene is associated with autosomal dominant disease. Polycystic kidney disease 1 (MIM#173900) is predominantly caused by monoallelic variants, with rare reports of biallelic variants causing disease (OMIM); Loss of function is a known mechanism of disease in this gene and is associated with polycystic kidney disease 1 (MIM#173900); Inheritance information for this variant is not currently available in this individual.

Department of Human Genetics, Hannover Medical School
Classification: Likely pathogenic for Polycystic kidney disease, adult type. Last evaluated: 2024-03-19. Review status: criteria provided, single submitter. Criteria: ACMG Guidelines, 2015. Collection method: clinical testing. Allele origin: germline. Affected: yes.

Fulgent Genetics
Classification: Likely pathogenic for Polycystic kidney disease, adult type. Last evaluated: 2024-03-02. Review status: criteria provided, single submitter. Criteria: ACMG Guidelines, 2015. Collection method: clinical testing. Allele origin: germline.